The following is an entry in ClinVar:

NM_004006.3(DMD):c.5288G>A (p.Arg1763Gln)

Gene: DMD (dystrophin; minus strand). Cytogenetic location: Xp21.1.
Variant type: single nucleotide variant.
Coding change: c.5288G>A on transcript NM_004006.3 (MANE Select); coding-DNA position 5288, G replaced by A.
Protein change: p.Arg1763Gln; replaces arginine 1763 with glutamine.
Molecular consequence: missense variant.
Genome position (GRCh38, 1-based): chrX:32,362,825, C>T on the plus strand (G>A on the coding strand, the complement: DMD is on the minus strand). VCF-style: chrX-32362825-C-T. GRCh37 (hg19) VCF-style: chrX-32380942-C-T.
Other names: c.5264G>A, p.Arg1755Gln (NM_000109.4); c.5276G>A, p.Arg1759Gln (NM_004009.3); c.4919G>A, p.Arg1640Gln (NM_004010.3); c.1265G>A, p.Arg422Gln (NM_004011.4); c.1256G>A, p.Arg419Gln (NM_004012.4); short protein forms R1640Q, R419Q, R1759Q, R1763Q, R1755Q, R422Q.
Identifiers: ClinVar variation 1430253 (VCV001430253.7), dbSNP rs398123982, ClinGen allele CA412671016.

ClinVar aggregate classification (germline): Uncertain significance (1 of 4 stars; one submission).

Conditions:
Duchenne muscular dystrophy (DMD). Also called: MUSCULAR DYSTROPHY, PSEUDOHYPERTROPHIC PROGRESSIVE, DUCHENNE TYPE; Duchenne Muscular Dystrophy (DMD). Identifiers: Orphanet 98896, MedGen C0013264, MONDO:0010679, OMIM 310200.

gnomAD v4.1: 1 of 1,211,032 alleles (0.000083%); highest among the groups gnomAD compares: Non-Finnish European, 0.00011%; no homozygotes.

Submission:

Labcorp Genetics (formerly Invitae), Labcorp
Classification: Uncertain significance for Duchenne muscular dystrophy. Last evaluated: 2025-05-27. Review status: criteria provided, single submitter. Criteria: Invitae Variant Classification Sherloc (09022015). Collection method: clinical testing. Allele origin: germline.
Comment: This sequence change replaces arginine, which is basic and polar, with glutamine, which is neutral and polar, at codon 1763 of the DMD protein (p.Arg1763Gln). This variant is not present in population databases (gnomAD no frequency). This variant has not been reported in the literature in individuals affected with DMD-related conditions. ClinVar contains an entry for this variant (Variation ID: 1430253). Invitae Evidence Modeling of protein sequence and biophysical properties (such as structural, functional, and spatial information, amino acid conservation, physicochemical variation, residue mobility, and thermodynamic stability) indicates that this missense variant is not expected to disrupt DMD protein function with a negative predictive value of 95%. In summary, the available evidence is currently insufficient to determine the role of this variant in disease. Therefore, it has been classified as a Variant of Uncertain Significance.